The following is an entry in ClinVar:

NM_004329.3(BMPR1A):c.934C>A (p.His312Asn)

Gene: BMPR1A (bone morphogenetic protein receptor type 1A; plus strand). Cytogenetic location: 10q23.2.
Variant type: single nucleotide variant.
Coding change: c.934C>A on transcript NM_004329.3 (MANE Select); coding-DNA position 934, C replaced by A.
Protein change: p.His312Asn; replaces histidine 312 with asparagine.
Molecular consequence: missense variant. On other transcripts: non-coding transcript variant (3).
Genome position (GRCh38, 1-based): chr10:86,919,237, C>A. VCF-style: chr10-86919237-C-A. GRCh37 (hg19) VCF-style: chr10-88678994-C-A.
Other names: c.1009C>A, p.His337Asn (NM_001406559.1); c.982C>A, p.His328Asn (NM_001406560.1); c.934C>A, p.His312Asn (NM_001406561.1, NM_001406562.1, NM_001406563.1 and 19 more transcripts); c.928C>A, p.His310Asn (NM_001406583.1); c.850C>A, p.His284Asn (NM_001406584.1, NM_001406585.1, NM_001406586.1 and 2 more transcripts); c.592C>A, p.His198Asn (NM_001406589.1); short protein forms H312N, H310N, H337N, H198N, H284N, H328N.
Identifiers: ClinVar variation 3481227 (VCV003481227.1).

ClinVar aggregate classification (germline): Uncertain significance (1 of 4 stars; one submission).

Conditions:
Hereditary cancer-predisposing syndrome. Also called: Tumor predisposition; Neoplastic Syndromes, Hereditary; Hereditary Cancer Syndrome; Hereditary neoplastic syndrome. Identifiers: Orphanet 140162, MedGen C0027672, MeSH D009386, MONDO:0015356.

Submission:

Ambry Genetics
Classification: Uncertain significance for Hereditary cancer-predisposing syndrome. Last evaluated: 2024-09-18. Review status: criteria provided, single submitter. Criteria: Ambry Variant Classification Scheme 2023. Collection method: clinical testing. Allele origin: germline.
Comment: The p.H312N variant (also known as c.934C>A), located in coding exon 8 of the BMPR1A gene, results from a C to A substitution at nucleotide position 934. The histidine at codon 312 is replaced by asparagine, an amino acid with similar properties. This amino acid position is conserved. In addition, the in silico prediction for this alteration is inconclusive. Based on the available evidence, the clinical significance of this variant remains unclear.